The following is an entry in ClinVar:

NM_000202.8(IDS):c.213_225del (p.Ser71fs)

Gene: IDS (iduronate 2-sulfatase; minus strand). Cytogenetic location: Xq28.
Variant type: Deletion.
Coding change: c.213_225del on transcript NM_000202.8 (MANE Select); coding-DNA positions 213 to 225, 13 bases deleted (CCTCCTCTTCCAG).
Protein change: p.Ser71fs; shifts the reading frame from serine 71.
Molecular consequence: frameshift variant. On other transcripts: 5 prime UTR variant (1), non-coding transcript variant (1).
Genome position (GRCh38, 1-based): chrX:149,504,172-149,504,184, CTGGAAGAGGAGG deleted on the plus strand (CCTCCTCTTCCAG on the coding strand, the reverse complement: IDS is on the minus strand); deleting any 13 consecutive bases within chrX:149,504,172-149,504,187 gives the same sequence; the c. name uses the placement nearest the transcript's 3' end. VCF-style (leftmost placement, unchanged base first): chrX-149504171-TCTGGAAGAGGAGG-T. GRCh37 (hg19) VCF-style: chrX-148585701-TCTGGAAGAGGAGG-T.
Other names: c.-14_-2del (NM_001166550.4); c.213_225del, p.Ser71fs (NM_006123.5); short protein forms S71fs.
Identifiers: ClinVar variation 3256096 (VCV003256096.2).

ClinVar aggregate classification (germline): Pathogenic (1 of 4 stars; one submission).

Conditions:
Mucopolysaccharidosis, MPS-II (MPS2). Also called: Hunter Syndrome; IDURONATE 2-SULFATASE DEFICIENCY; Mucopolysaccharidosis Type II; Mucopolysaccharidosis type 2; Attenuated MPS (subtype; formerly known as mild MPS II); Severe MPS II. Identifiers: Orphanet 580, Orphanet 79388, MedGen C0026705, MONDO:0010674, OMIM 309900.

Submission:

Laboratory of Diagnosis and Therapy of Lysosomal Disorders, University of Padova
Classification: Pathogenic for Mucopolysaccharidosis, MPS-II. Last evaluated: 2024-06-07. Review status: criteria provided, single submitter. Criteria: ACMG Guidelines, 2015. Collection method: literature only. Allele origin: germline. Affected: yes. Observed: 1 variant allele.
Comment: Null variant (PVS1_VeryStrong), Absent from controls (or at low frequency) in gnomAD database (PM2_Moderate), Patient’s phenotype or family history highly specific for the disease (PP4_Strong)

Classification method: ACMG Guidelines [PMID:25741868] with modifications

Literature cited by the submitters: PubMed 24798265.